The following is an entry in ClinVar:

NM_004211.5(SLC6A5):c.440C>T (p.Pro147Leu)

Gene: SLC6A5 (solute carrier family 6 member 5; plus strand). Cytogenetic location: 11p15.1.
Variant type: single nucleotide variant.
Coding change: c.440C>T on transcript NM_004211.5 (MANE Select); coding-DNA position 440, C replaced by T.
Protein change: p.Pro147Leu; replaces proline 147 with leucine.
Molecular consequence: missense variant. On other transcripts: 5 prime UTR variant (1).
Genome position (GRCh38, 1-based): chr11:20,601,565, C>T. VCF-style: chr11-20601565-C-T. GRCh37 (hg19) VCF-style: chr11-20623111-C-T.
Other names: c.-124C>T (NM_001318369.2); short protein forms P147L.
Identifiers: ClinVar variation 1504383 (VCV001504383.9), dbSNP rs141037254, ClinGen allele CA5921086.

ClinVar aggregate classification (germline): Uncertain significance. Review status: criteria provided, multiple submitters, no conflicts (2 of 4 stars). 2 submissions from 2 submitters: Uncertain significance (2). Last evaluated 2022-07-19.

Conditions:
Hyperekplexia 3 (HKPX3). Also called: HYPEREKPLEXIA 3, AUTOSOMAL RECESSIVE; HYPEREKPLEXIA 3, AUTOSOMAL DOMINANT. Identifiers: Orphanet 3197, MedGen C3553288, MONDO:0013827, OMIM 614618.

Allele frequency attached by ClinVar (database versions not stated): gnomAD exomes below 0.00001 and 0.00002; gnomAD 0.00004; ExAC 0.00005; TOPMed 0.00005.
gnomAD v4.1: 14 of 1,614,048 alleles (0.00087%); highest among the groups gnomAD compares: African/African-American, 0.015%; no homozygotes.

Submissions (2):

Labcorp Genetics (formerly Invitae), Labcorp
Classification: Uncertain significance for Hyperekplexia 3. Last evaluated: 2022-07-19. Review status: criteria provided, single submitter. Criteria: Invitae Variant Classification Sherloc (09022015). Collection method: clinical testing. Allele origin: germline.
Comment: This variant is present in population databases (rs141037254, gnomAD 0.02%). This sequence change replaces proline, which is neutral and non-polar, with leucine, which is neutral and non-polar, at codon 147 of the SLC6A5 protein (p.Pro147Leu). This variant has not been reported in the literature in individuals affected with SLC6A5-related conditions. In summary, the available evidence is currently insufficient to determine the role of this variant in disease. Therefore, it has been classified as a Variant of Uncertain Significance. Advanced modeling of protein sequence and biophysical properties (such as structural, functional, and spatial information, amino acid conservation, physicochemical variation, residue mobility, and thermodynamic stability) performed at Invitae indicates that this missense variant is not expected to disrupt SLC6A5 protein function. ClinVar contains an entry for this variant (Variation ID: 1504383).

Blueprint Genetics
Classification: Uncertain significance. Last evaluated: 2021-04-19. Review status: criteria provided, single submitter. Criteria: ACMG Guidelines, 2015. Collection method: clinical testing. Allele origin: germline.